The following is an entry in ClinVar:

ClinVar aggregate classification (germline): Benign/Likely benign. Review status: criteria provided, multiple submitters, no conflicts (2 of 4 stars). 7 submissions from 7 submitters: Benign (1); Likely benign (5). 1 of the submissions does not count toward it. Last evaluated 2026-07-01.

Conditions:
RAD50-related disorder. Also called: RAD50-related condition.
Hereditary cancer-predisposing syndrome. Also called: Hereditary neoplastic syndrome; Tumor predisposition; Neoplastic Syndromes, Hereditary; Hereditary Cancer Syndrome. Identifiers: Orphanet 140162, MedGen C0027672, MeSH D009386, MONDO:0015356.

Allele frequency attached by ClinVar (database versions not stated): gnomAD exomes 0.00005 and 0.00013; ExAC 0.00016; TOPMed 0.00051; ESP Exome Variant Server 0.00054; gnomAD 0.00057 and 0.00062; 1000 Genomes Project 30x 0.00078; 1000 Genomes Project 0.00080.
gnomAD v4.1: 166 of 1,613,266 alleles (0.01%); highest among the groups gnomAD compares: African/African-American, 0.19%; no homozygotes.

Submissions (7):

CeGaT Center for Human Genetics Tuebingen
Classification: Likely benign. Last evaluated: 2026-07-01. Review status: criteria provided, single submitter. Criteria: CeGaT Center For Human Genetics Tuebingen Variant Classification Criteria Version 2. Collection method: clinical testing. Allele origin: germline. Affected: yes. Observed: 1 variant allele.
Comment: RAD50: BP4, BP7

Labcorp Genetics (formerly Invitae), Labcorp
Classification: Likely benign for Hereditary cancer-predisposing syndrome. Last evaluated: 2025-11-15. Review status: criteria provided, single submitter. Criteria: Invitae Variant Classification Sherloc (09022015). Collection method: clinical testing. Allele origin: germline.

Quest Diagnostics Nichols Institute San Juan Capistrano
Classification: Likely benign. Last evaluated: 2025-06-19. Review status: criteria provided, single submitter. Criteria: Quest Diagnostics criteria. Collection method: clinical testing. Allele origin: unknown.

Blueprint Genetics
Classification: Likely benign. Last evaluated: 2024-06-11. Review status: criteria provided, single submitter. Criteria: ACMG Guidelines, 2015. Collection method: clinical testing. Allele origin: germline.

Women's Health and Genetics/Laboratory Corporation of America, LabCorp
Classification: Benign. Last evaluated: 2023-06-10. Review status: criteria provided, single submitter. Criteria: LabCorp Variant Classification Summary - May 2015. Collection method: clinical testing. Allele origin: germline.

Ambry Genetics
Classification: Likely benign for Hereditary cancer-predisposing syndrome. Last evaluated: 2014-10-08. Review status: criteria provided, single submitter. Criteria: Ambry Variant Classification Scheme 2023. Collection method: clinical testing. Allele origin: germline.

PreventionGenetics, part of Exact Sciences
Classification: Likely benign for RAD50-related condition. Last evaluated: 2022-01-26. Review status: no assertion criteria provided. Collection method: clinical testing. Allele origin: germline. Not counted in ClinVar's aggregate classification.
Comment: This variant is classified as likely benign based on ACMG/AMP sequence variant interpretation guidelines (Richards et al. 2015 PMID: 25741868, with internal and published modifications).

Literature cited by the submitters: PubMed 24894818 (cited by Quest Diagnostics Nichols Institute San Juan Capistrano); PubMed 36291846 (cited by Quest Diagnostics Nichols Institute San Juan Capistrano); PubMed 26787654 (cited by Quest Diagnostics Nichols Institute San Juan Capistrano).

NM_005732.4(RAD50):c.921A>G (p.Leu307=)

Gene: RAD50 (RAD50 double strand break repair protein; plus strand). Cytogenetic location: 5q31.1.
Variant type: single nucleotide variant.
Coding change: c.921A>G on transcript NM_005732.4 (MANE Select); coding-DNA position 921, A replaced by G.
Protein change: p.Leu307=; no amino-acid change (leucine 307 retained).
Molecular consequence: synonymous variant.
Genome position (GRCh38, 1-based): chr5:132,587,959, A>G. VCF-style: chr5-132587959-A-G. GRCh37 (hg19) VCF-style: chr5-131923651-A-G.
Identifiers: ClinVar variation 184312 (VCV000184312.21), dbSNP rs144639596, ClinGen allele CA333833.